The following is an entry in ClinVar:

ClinVar aggregate classification (germline): Pathogenic/Likely pathogenic. Review status: criteria provided, multiple submitters, no conflicts (2 of 4 stars). 3 submissions from 3 submitters: Pathogenic (2); Likely pathogenic (1). Last evaluated 2026-09-08.

Conditions:
Fabry disease. Also called: GLA DEFICIENCY; HEREDITARY DYSTOPIC LIPIDOSIS; Fabry's disease; Ceramide trihexosidosis; Angiokeratoma corporis diffusum; ALPHA-GALACTOSIDASE A DEFICIENCY. Identifiers: Orphanet 324, MedGen C0002986, MONDO:0010526, OMIM 301500, HP:0001071. Disease mechanism: loss of function, Fabry disease is due to inactivating mutations in the X-linked GLA gene resulting in deficiency of the enzyme Alpha Galactosidase-A..

Submissions (3):

Genomenon, Inc
Classification: Pathogenic for Fabry disease. Last evaluated: 2026-09-08. Review status: criteria provided, single submitter. Criteria: Genomenon Sequence Variant Interpretation Standards - Updated. Collection method: curation. Allele origin: germline. Affected: yes.
Comment: GLA p.Pro380LeufsTer11 (c.1139del) is a frameshift variant that is predicted to introduce a premature termination codon and result in a truncated or absent protein product. This variant has been observed in at least one proband with clinical features consistent with Fabry disease (PMID:10916280). It is absent or not present at a significant frequency in gnomAD. In conclusion, we classify GLA p.Pro380LeufsTer11 (c.1139del) as a pathogenic variant.

Labcorp Genetics (formerly Invitae), Labcorp
Classification: Pathogenic for Fabry disease. Last evaluated: 2025-06-15. Review status: criteria provided, single submitter. Criteria: Invitae Variant Classification Sherloc (09022015). Collection method: clinical testing. Allele origin: germline.
Comment: This sequence change creates a premature translational stop signal (p.Pro380Leufs*11) in the GLA gene. While this is not anticipated to result in nonsense mediated decay, it is expected to disrupt the last 50 amino acid(s) of the GLA protein. This variant is not present in population databases (gnomAD no frequency). This premature translational stop signal has been observed in individual(s) with Fabry disease (PMID: 10916280). ClinVar contains an entry for this variant (Variation ID: 1098795). Algorithms developed to predict the effect of sequence changes on RNA splicing suggest that this variant may create or strengthen a splice site. This variant disrupts a region of the GLA protein in which other variant(s) (p.Thr412Serfs*) have been determined to be pathogenic (PMID: 1668641, 16595074, 20505683, 22551898, 23935525, 28728877, 30386727). This suggests that this is a clinically significant region of the protein, and that variants that disrupt it are likely to be disease-causing. For these reasons, this variant has been classified as Pathogenic.

Women's Health and Genetics/Laboratory Corporation of America, LabCorp
Classification: Likely pathogenic for Fabry disease. Last evaluated: 2021-05-04. Review status: criteria provided, single submitter. Criteria: LabCorp Variant Classification Summary - May 2015. Collection method: clinical testing. Allele origin: germline.
Comment: Variant summary: GLA c.1139delC (p.Pro380LeufsX11) results in a premature termination codon in the last exon of the gene, and is predicted to cause a truncation of the encoded protein, which is a commonly known mechanisms for disease. Truncations downstream of this position have been classified as pathogenic by our laboratory. The variant was absent in 183479 control chromosomes. c.1139delC has been reported in the literature in individuals affected with Fabry Disease (Ashton-Prolla_2000, Glass_2004, Warnock_2015). To our knowledge, no experimental evidence demonstrating an impact on protein function has been reported. No clinical diagnostic laboratories have submitted clinical-significance assessments for this variant to ClinVar after 2014. Based on the evidence outlined above, the variant was classified as likely pathogenic.

Literature cited by the submitters: PubMed 10916280 (cited by 3 submitters); PubMed 1668641 (cited by Labcorp Genetics (formerly Invitae), Labcorp); PubMed 16595074 (cited by Labcorp Genetics (formerly Invitae), Labcorp); PubMed 20505683 (cited by Labcorp Genetics (formerly Invitae), Labcorp); PubMed 22551898 (cited by Labcorp Genetics (formerly Invitae), Labcorp); PubMed 23935525 (cited by Labcorp Genetics (formerly Invitae), Labcorp); PubMed 28728877 (cited by Labcorp Genetics (formerly Invitae), Labcorp); PubMed 30386727 (cited by Labcorp Genetics (formerly Invitae), Labcorp); PubMed 15091117 (cited by Women's Health and Genetics/Laboratory Corporation of America, LabCorp); PubMed 26490103 (cited by Women's Health and Genetics/Laboratory Corporation of America, LabCorp).

NM_000169.3(GLA):c.1139del (p.Pro380fs)

Genes: GLA (galactosidase alpha; minus strand), RPL36A-HNRNPH2 (RPL36A-HNRNPH2 readthrough; plus strand). Cytogenetic location: Xq22.1.
Variant type: Deletion.
Coding change: c.1139del on transcript NM_000169.3 (MANE Select); coding-DNA position 1139, one base deleted (C; older notation c.1139delC).
Protein change: p.Pro380fs; shifts the reading frame from proline 380.
Molecular consequence: frameshift variant. On other transcripts: non-coding transcript variant (3), intron variant (2).
Genome position (GRCh38, 1-based): chrX:101,397,960, G deleted on the plus strand (C on the coding strand, the reverse complement: GLA is on the minus strand); the first of 2 consecutive G bases (chrX:101,397,960-101,397,961); deleting either gives the same sequence. VCF-style (leftmost placement, unchanged base first): chrX-101397959-AG-A. GRCh37 (hg19) VCF-style: chrX-100652947-AG-A.
Other names: c.1139delC (NM_000169.2); c.1262del, p.Pro421fs (NM_001406747.1); c.300+2504del (NM_001199973.2); c.177+6139del (NM_001199974.2); short protein forms P380fs, P421fs.
Identifiers: ClinVar variation 1098795 (VCV001098795.4), dbSNP rs2147470791, ClinGen allele CA2499226265.
Genomic context (GRCh38, chrX:101,397,959, plus strand): 5'-AGTCCATTCATAGAACCCTAGCTTCCTTTTCACAGGGAGGAGCTGTGTGATGAAGCAGGC[AG>A]GATTACAGGCCACTCCTTTACCCAGGGAAGCAACTGCGATGGTATAAGAGCGAGGTCCAC-3'